The following is an entry in ClinVar:

NM_005956.4(MTHFD1):c.213G>T (p.Lys71Asn)

Gene: MTHFD1 (methylenetetrahydrofolate dehydrogenase, cyclohydrolase and formyltetrahydrofolate synthetase 1; plus strand). Cytogenetic location: 14q23.3.
Variant type: single nucleotide variant.
Coding change: c.213G>T on transcript NM_005956.4 (MANE Select); coding-DNA position 213, G replaced by T.
Protein change: p.Lys71Asn; replaces lysine 71 with asparagine.
Molecular consequence: missense variant.
Genome position (GRCh38, 1-based): chr14:64,412,498, G>T. VCF-style: chr14-64412498-G-T. GRCh37 (hg19) VCF-style: chr14-64879216-G-T.
Other names: c.213G>T, p.Lys71Asn (NM_001364837.1); short protein forms K71N.
Identifiers: ClinVar variation 1960973 (VCV001960973.3), dbSNP rs548975422, ClinGen allele CA7225874.

ClinVar aggregate classification (germline): Uncertain significance (1 of 4 stars; one submission).

Allele frequency attached by ClinVar (database versions not stated): TOPMed 0.00008.
gnomAD v4.1: 14 of 1,613,662 alleles (0.00087%); highest among the groups gnomAD compares: African/African-American, 0.017%; no homozygotes.

Submission:

Labcorp Genetics (formerly Invitae), Labcorp
Classification: Uncertain significance. Last evaluated: 2025-12-22. Review status: criteria provided, single submitter. Criteria: Invitae Variant Classification Sherloc (09022015). Collection method: clinical testing. Allele origin: germline.
Comment: This sequence change replaces lysine, which is basic and polar, with asparagine, which is neutral and polar, at codon 71 of the MTHFD1 protein (p.Lys71Asn). This variant is present in population databases (rs548975422, gnomAD 0.02%). This variant has not been reported in the literature in individuals affected with MTHFD1-related conditions. ClinVar contains an entry for this variant (Variation ID: 1960973). Invitae Evidence Modeling of protein sequence and biophysical properties (such as structural, functional, and spatial information, amino acid conservation, physicochemical variation, residue mobility, and thermodynamic stability) indicates that this missense variant is not expected to disrupt MTHFD1 protein function with a negative predictive value of 80%. In summary, the available evidence is currently insufficient to determine the role of this variant in disease. Therefore, it has been classified as a Variant of Uncertain Significance.